The following is an entry in ClinVar:

NM_005732.4(RAD50):c.1408T>G (p.Ser470Ala)

Gene: RAD50 (RAD50 double strand break repair protein; plus strand). Cytogenetic location: 5q31.1.
Variant type: single nucleotide variant.
Coding change: c.1408T>G on transcript NM_005732.4 (MANE Select); coding-DNA position 1408, T replaced by G.
Protein change: p.Ser470Ala; replaces serine 470 with alanine.
Molecular consequence: missense variant.
Genome position (GRCh38, 1-based): chr5:132,589,793, T>G. VCF-style: chr5-132589793-T-G. GRCh37 (hg19) VCF-style: chr5-131925485-T-G.
Other names: short protein forms S470A.
Identifiers: ClinVar variation 2120188 (VCV002120188.4), dbSNP rs2479637364, ClinGen allele CA360944746.

ClinVar aggregate classification (germline): Uncertain significance (1 of 4 stars; one submission).

Conditions:
Hereditary cancer-predisposing syndrome. Also called: Hereditary Cancer Syndrome; Tumor predisposition; Neoplastic Syndromes, Hereditary; Hereditary neoplastic syndrome. Identifiers: Orphanet 140162, MedGen C0027672, MeSH D009386, MONDO:0015356.

Submission:

Labcorp Genetics (formerly Invitae), Labcorp
Classification: Uncertain significance for Hereditary cancer-predisposing syndrome. Last evaluated: 2022-04-01. Review status: criteria provided, single submitter. Criteria: Invitae Variant Classification Sherloc (09022015). Collection method: clinical testing. Allele origin: germline.
Comment: In summary, the available evidence is currently insufficient to determine the role of this variant in disease. Therefore, it has been classified as a Variant of Uncertain Significance. Algorithms developed to predict the effect of missense changes on protein structure and function (SIFT, PolyPhen-2, Align-GVGD) all suggest that this variant is likely to be tolerated. This variant has not been reported in the literature in individuals affected with RAD50-related conditions. This variant is not present in population databases (gnomAD no frequency). This sequence change replaces serine, which is neutral and polar, with alanine, which is neutral and non-polar, at codon 470 of the RAD50 protein (p.Ser470Ala).